The following is an entry in ClinVar:

ClinVar aggregate classification (germline): Conflicting classifications of pathogenicity. Review status: criteria provided, conflicting classifications (1 of 4 stars). 3 submissions from 3 submitters: Likely pathogenic (2); Uncertain significance (1). Last evaluated 2025-12-20.

Conditions:
Congenital myotonia, autosomal recessive form. Also called: BECKER DISEASE; Becker Generalized Myotonia; myotonia congenita, autosomal recessive. Identifiers: Orphanet 614, MedGen C0751360, MONDO:0009715, OMIM 255700.
Congenital myotonia, autosomal dominant form (THD). Also called: THOMSEN DISEASE; Myotonia congenita autosomal dominant. Identifiers: Orphanet 614, MedGen C2936781, MONDO:0008055, OMIM 160800.

Allele frequency attached by ClinVar (database versions not stated): gnomAD exomes below 0.00001.
gnomAD v4.1: 1 of 1,613,250 alleles (0.000062%); highest among the groups gnomAD compares: Non-Finnish European, 0.000085%; no homozygotes.

Submissions (3):

Labcorp Genetics (formerly Invitae), Labcorp
Classification: Likely pathogenic for Congenital myotonia, autosomal recessive form; Congenital myotonia, autosomal dominant form. Last evaluated: 2025-12-20. Review status: criteria provided, single submitter. Criteria: Invitae Variant Classification Sherloc (09022015). Collection method: clinical testing. Allele origin: germline.
Comment: This sequence change affects a donor splice site in intron 21 of the CLCN1 gene. It is expected to disrupt RNA splicing. Variants that disrupt the donor or acceptor splice site typically lead to a loss of protein function (PMID: 16199547), and loss-of-function variants in CLCN1 are known to be pathogenic (PMID: 17932099, 22094069, 23739125). This variant is not present in population databases (gnomAD no frequency). This variant has not been reported in the literature in individuals affected with CLCN1-related conditions. ClinVar contains an entry for this variant (Variation ID: 2024335). Algorithms developed to predict the effect of sequence changes on RNA splicing suggest that this variant may disrupt the consensus splice site. In summary, the currently available evidence indicates that the variant is pathogenic, but additional data are needed to prove that conclusively. Therefore, this variant has been classified as Likely Pathogenic.

Mayo Clinic Laboratories, Mayo Clinic
Classification: Uncertain significance. Last evaluated: 2025-10-15. Review status: criteria provided, single submitter. Criteria: ACMG Guidelines, 2015. Collection method: clinical testing. Allele origin: germline. Observed: 1 variant allele.
Comment: PM2_supporting, PVS1_moderate

Kariminejad - Najmabadi Pathology & Genetics Center
Classification: Likely pathogenic for Congenital myotonia, autosomal recessive form. Last evaluated: 2024-02-11. Review status: criteria provided, single submitter. Criteria: ACMG Guidelines, 2015. Collection method: clinical testing. Allele origin: germline. Inheritance: Autosomal recessive inheritance. Affected: yes.
Comment: PVS1_ST,PM2_M,PP5_SP

Literature cited by the submitters: PubMed 16199547 (cited by Labcorp Genetics (formerly Invitae), Labcorp); PubMed 17932099 (cited by Labcorp Genetics (formerly Invitae), Labcorp); PubMed 22094069 (cited by Labcorp Genetics (formerly Invitae), Labcorp); PubMed 23739125 (cited by Labcorp Genetics (formerly Invitae), Labcorp).

NM_000083.3(CLCN1):c.2508+1G>A

Gene: CLCN1 (chloride voltage-gated channel 1; plus strand). Cytogenetic location: 7q34.
Variant type: single nucleotide variant.
Coding change: c.2508+1G>A on transcript NM_000083.3 (MANE Select); the canonical splice donor site of the intron after coding-DNA position 2508, G replaced by A.
Molecular consequence: splice donor variant.
Genome position (GRCh38, 1-based): chr7:143,350,477, G>A. VCF-style: chr7-143350477-G-A. GRCh37 (hg19) VCF-style: chr7-143047570-G-A.
Identifiers: ClinVar variation 2024335 (VCV002024335.6), dbSNP rs2485444450, ClinGen allele CA369652694.
Genomic context (GRCh38, chr7:143,350,477, plus strand): 5'-GATTCCTGCTGTATTGACCAGTCTCCCTTCCAGCTGGTGGAGCAGACAACCCTGCACAAG[G>A]TGAGTCTTTTGCTGACTGCTCAGGGCTGTGGGGAAGGCAGGAGAGCTGTGGGGCAAGGAA-3'